The following is an entry in ClinVar:

NM_014639.4(SKIC3):c.3015-14dup

Gene: SKIC3 (SKI3 subunit of superkiller complex; minus strand). Cytogenetic location: 5q15.
Variant type: Duplication.
Coding change: c.3015-14dup on transcript NM_014639.4 (MANE Select); 14 bases into the intron before coding-DNA position 3015, one base duplicated (T; older notation c.3015-14dupT).
Molecular consequence: intron variant.
Genome position (GRCh38, 1-based): chr5:95,507,015, A duplicated on the plus strand (T on the coding strand, the reverse complement: SKIC3 is on the minus strand); the first of 11 consecutive A bases (chr5:95,507,015-95,507,025); duplicating any one gives the same sequence. VCF-style (leftmost placement, unchanged base first): chr5-95507014-T-TA. GRCh37 (hg19) VCF-style: chr5-94842718-T-TA.
Other names: p.?; c.3015-4dup (NM_014639.3).
Identifiers: ClinVar variation 196630 (VCV000196630.10), dbSNP rs745805590, ClinGen allele CA243649.

ClinVar aggregate classification (germline): Conflicting classifications of pathogenicity. Review status: criteria provided, conflicting classifications (1 of 4 stars). 3 submissions from 3 submitters: Uncertain significance (1); Benign (2). Last evaluated 2026-01-22.

Submissions (3):

Labcorp Genetics (formerly Invitae), Labcorp
Classification: Benign. Last evaluated: 2026-01-22. Review status: criteria provided, single submitter. Criteria: Invitae Variant Classification Sherloc (09022015). Collection method: clinical testing. Allele origin: germline.

Mayo Clinic Laboratories, Mayo Clinic
Classification: Benign. Last evaluated: 2023-11-16. Review status: criteria provided, single submitter. Criteria: ACMG Guidelines, 2015. Collection method: clinical testing. Allele origin: germline. Observed: 3 variant alleles.
Comment: BA1, BP4, BP7

Eurofins Ntd Llc (ga)
Classification: Uncertain significance. Last evaluated: 2014-10-23. Review status: criteria provided, single submitter. Criteria: EGL Classification Definitions. Collection method: clinical testing. Allele origin: germline. Observed: 1 variant allele, 1 heterozygote.